The following is an entry in ClinVar:

NM_000552.5(VWF):c.4411C>A (p.Pro1471Thr)

Gene: VWF (von Willebrand factor; minus strand). Cytogenetic location: 12p13.31.
Variant type: single nucleotide variant.
Coding change: c.4411C>A on transcript NM_000552.5 (MANE Select); coding-DNA position 4411, C replaced by A.
Protein change: p.Pro1471Thr; replaces proline 1471 with threonine.
Molecular consequence: missense variant.
Genome position (GRCh38, 1-based): chr12:6,019,007, G>T on the plus strand (C>A on the coding strand, the complement: VWF is on the minus strand). VCF-style: chr12-6019007-G-T. GRCh37 (hg19) VCF-style: chr12-6128173-G-T.
Other names: p.Pro1471Thr; c.4411C>A (NM_000552.4); short protein forms P1471T.
Identifiers: ClinVar variation 2464146 (VCV002464146.3), dbSNP rs768264558, ClinGen allele CA6402537.

ClinVar aggregate classification (germline): Uncertain significance. Review status: criteria provided, multiple submitters, no conflicts (2 of 4 stars). 2 submissions from 2 submitters: Uncertain significance (2). Last evaluated 2024-10-10.

Conditions:
Inborn genetic diseases. Identifiers: MedGen C0950123, MeSH D030342.

Allele frequency attached by ClinVar (database versions not stated): gnomAD 0.00001; gnomAD exomes 0.00001; ExAC 0.00002.
gnomAD v4.1: 21 of 1,613,798 alleles (0.0013%); highest among the groups gnomAD compares: Admixed American, 0.005%; no homozygotes.

Submissions (2):

Mayo Clinic Laboratories, Mayo Clinic
Classification: Uncertain significance. Last evaluated: 2024-10-10. Review status: criteria provided, single submitter. Criteria: ACMG Guidelines, 2015. Collection method: clinical testing. Allele origin: germline. Observed: 1 variant allele.
Comment: PM2_supporting

Ambry Genetics
Classification: Uncertain significance for Inborn genetic diseases. Last evaluated: 2023-01-25. Review status: criteria provided, single submitter. Criteria: Ambry Variant Classification Scheme 2023. Collection method: clinical testing. Allele origin: germline.